The following is an entry in ClinVar:

NM_001130144.3(LTBP3):c.3576G>C (p.Glu1192Asp)

Gene: LTBP3 (latent transforming growth factor beta binding protein 3; minus strand). Cytogenetic location: 11q13.1.
Variant type: single nucleotide variant.
Coding change: c.3576G>C on transcript NM_001130144.3 (MANE Select); coding-DNA position 3576, G replaced by C.
Protein change: p.Glu1192Asp; replaces glutamic acid 1192 with aspartic acid.
Molecular consequence: missense variant.
Genome position (GRCh38, 1-based): chr11:65,539,600, C>G on the plus strand (G>C on the coding strand, the complement: LTBP3 is on the minus strand). VCF-style: chr11-65539600-C-G. GRCh37 (hg19) VCF-style: chr11-65307071-C-G.
Other names: c.3084G>C, p.Glu1028Asp (NM_001164266.1); c.3435G>C, p.Glu1145Asp (NM_021070.4); short protein forms E1028D, E1145D, E1192D.
Identifiers: ClinVar variation 4624007 (VCV004624007.1).

ClinVar aggregate classification (germline): Uncertain significance (1 of 4 stars; one submission).

Conditions:
Inborn genetic diseases. Identifiers: MedGen C0950123, MeSH D030342.

gnomAD v4.1: 1 of 1,612,558 alleles (0.000062%); highest among the groups gnomAD compares: Non-Finnish European, 0.000085%; no homozygotes.

Submission:

Ambry Genetics
Classification: Uncertain significance for Inborn genetic diseases. Last evaluated: 2025-11-15. Review status: criteria provided, single submitter. Criteria: Ambry Variant Classification Scheme 2023. Collection method: clinical testing. Allele origin: germline.
Comment: The p.E1192D variant (also known as c.3576G>C), located in coding exon 26 of the LTBP3 gene, results from a G to C substitution at nucleotide position 3576. The glutamic acid at codon 1192 is replaced by aspartic acid, an amino acid with highly similar properties. This amino acid position is conserved. In addition, this alteration is predicted to be tolerated by in silico analysis. Based on the available evidence, the clinical significance of this variant remains unclear.